The following is an entry in ClinVar:

NM_139027.6(ADAMTS13):c.799_808del (p.Arg267fs)

Genes: ADAMTS13 (ADAM metallopeptidase with thrombospondin type 1 motif 13; plus strand), LOC130002910 (ATAC-STARR-seq lymphoblastoid silent region 20458; plus strand). Cytogenetic location: 9q34.2.
Variant type: Deletion.
Coding change: c.799_808del on transcript NM_139027.6 (MANE Select); coding-DNA positions 799 to 808, 10 bases deleted (CGCCGGCAGC; older notation c.799_808delCGCCGGCAGC).
Protein change: p.Arg267fs; shifts the reading frame from arginine 267.
Molecular consequence: frameshift variant.
Genome position (GRCh38, 1-based): chr9:133,428,746-133,428,755, CGCCGGCAGC deleted; deleting any 10 consecutive bases within chr9:133,428,741-133,428,755 gives the same sequence; the c. name uses the placement nearest the transcript's 3' end. VCF-style (leftmost placement, unchanged base first): chr9-133428740-TGCAGCCGCCG-T. GRCh37 (hg19) VCF-style: chr9-136293860-TGCAGCCGCCG-T.
Other names: c.799_808del, p.Arg267fs (NM_139025.5, NM_139026.6); c.799_808del10 (NM_139025.5); short protein forms R267fs.
Identifiers: ClinVar variation 3251337 (VCV003251337.1), dbSNP rs2491103284.

ClinVar aggregate classification (germline): Pathogenic (1 of 4 stars; one submission).

Conditions:
Thrombotic thrombocytopenic purpura. Also called: Moschowitz syndrome; Moschkowitz Disease. Identifiers: Orphanet 54057, MedGen C0034155, MONDO:0018896.

Submission:

Women's Health and Genetics/Laboratory Corporation of America, LabCorp
Classification: Pathogenic for Thrombotic thrombocytopenic purpura. Last evaluated: 2024-04-11. Review status: criteria provided, single submitter. Criteria: LabCorp Variant Classification Summary - May 2015. Collection method: clinical testing. Allele origin: germline.
Comment: Variant summary: ADAMTS13 c.799_808del10 (p.Arg267CysfsX2) results in a premature termination codon, predicted to cause absence of the protein due to nonsense mediated decay, which is a commonly known mechanism for disease. The variant was absent in 59438 control chromosomes. To our knowledge, no occurrence of c.799_808del10 in individuals affected with Thrombotic Thrombocytopenic Purpura and no experimental evidence demonstrating its impact on protein function have been reported. No submitters have cited clinical-significance assessments for this variant to ClinVar. Based on the evidence outlined above, the variant was classified as pathogenic.